The following is an entry in ClinVar:

ClinVar aggregate classification (germline): Uncertain significance. Review status: criteria provided, multiple submitters, no conflicts (2 of 4 stars). 3 submissions from 3 submitters: Uncertain significance (3). Last evaluated 2023-10-01.

Conditions:
Hereditary motor and sensory neuropathy, Okinawa type (HMSNO). Also called: HEREDITARY MOTOR AND SENSORY NEUROPATHY, PROXIMAL TYPE. Identifiers: Orphanet 90117, MedGen C1858338, MONDO:0011468, OMIM 604484.
Hereditary spastic paraplegia 57. Also called: Spastic paraplegia 57, autosomal recessive. Identifiers: Orphanet 431329, MedGen C3714897, MONDO:0014295, OMIM 615658.
Inborn genetic diseases. Identifiers: MedGen C0950123, MeSH D030342.

Allele frequency attached by ClinVar (database versions not stated): gnomAD 0.00001; ExAC 0.00002; gnomAD exomes 0.00002; ESP Exome Variant Server 0.00008.

Submissions (3):

Labcorp Genetics (formerly Invitae), Labcorp
Classification: Uncertain significance for Hereditary motor and sensory neuropathy, Okinawa type; Hereditary spastic paraplegia 57. Last evaluated: 2023-10-01. Review status: criteria provided, single submitter. Criteria: Invitae Variant Classification Sherloc (09022015). Collection method: clinical testing. Allele origin: germline.
Comment: This sequence change replaces proline, which is neutral and non-polar, with serine, which is neutral and polar, at codon 336 of the TFG protein (p.Pro336Ser). This variant is present in population databases (rs371681149, gnomAD 0.004%). This variant has not been reported in the literature in individuals affected with TFG-related conditions. ClinVar contains an entry for this variant (Variation ID: 234835). Advanced modeling of protein sequence and biophysical properties (such as structural, functional, and spatial information, amino acid conservation, physicochemical variation, residue mobility, and thermodynamic stability) performed at Invitae indicates that this missense variant is not expected to disrupt TFG protein function. In summary, the available evidence is currently insufficient to determine the role of this variant in disease. Therefore, it has been classified as a Variant of Uncertain Significance.

Ambry Genetics
Classification: Uncertain significance for Inborn genetic diseases. Last evaluated: 2021-08-23. Review status: criteria provided, single submitter. Criteria: Ambry Variant Classification Scheme 2023. Collection method: clinical testing. Allele origin: germline.

GeneDx
Classification: Uncertain significance. Last evaluated: 2016-02-26. Review status: criteria provided, single submitter. Criteria: GeneDx Variant Classification (06012015). Collection method: clinical testing. Allele origin: germline. Affected: yes.
Comment: The P336S variant has not been published as a pathogenic variant, nor has it been reported as a benign variant to our knowledge. It was not observed with any significant frequency in approximately 6,500 individuals of European and African American ancestry in the NHLBI Exome Sequencing Project. The P336S variant is a non-conservative amino acid substitution, which is likely to impact secondary protein structure as these residues differ in polarity, charge, size and/or other properties. This substitution occurs at a position that is conserved in mammals. However, in silico analysis is inconsistent in its predictions as to whether or not the variant is damaging to the protein structure/function. Therefore, based on the currently available information, it is unclear whether this variant is a pathogenic variant or a rare benign variant.

NM_006070.6(TFG):c.1006C>T (p.Pro336Ser)

Gene: TFG (trafficking from ER to golgi regulator; plus strand). Cytogenetic location: 3q12.2.
Variant type: single nucleotide variant.
Coding change: c.1006C>T on transcript NM_006070.6 (MANE Select); coding-DNA position 1006, C replaced by T.
Protein change: p.Pro336Ser; replaces proline 336 with serine.
Molecular consequence: missense variant.
Genome position (GRCh38, 1-based): chr3:100,748,334, C>T. VCF-style: chr3-100748334-C-T. GRCh37 (hg19) VCF-style: chr3-100467178-C-T.
Other names: c.1006C>T, p.Pro336Ser (NM_001007565.2, NM_001195478.2); c.994C>T, p.Pro332Ser (NM_001195479.2); short protein forms P336S, P332S.
Identifiers: ClinVar variation 234835 (VCV000234835.10), dbSNP rs371681149, ClinGen allele CA2517243.